The following is an entry in ClinVar:

NM_001369268.1(ACAN):c.600C>G (p.Asp200Glu)

Gene: ACAN (aggrecan; plus strand). Cytogenetic location: 15q26.1.
Variant type: single nucleotide variant.
Coding change: c.600C>G on transcript NM_001369268.1 (MANE Select); coding-DNA position 600, C replaced by G.
Protein change: p.Asp200Glu; replaces aspartic acid 200 with glutamic acid.
Molecular consequence: missense variant.
Genome position (GRCh38, 1-based): chr15:88,840,157, C>G. VCF-style: chr15-88840157-C-G. GRCh37 (hg19) VCF-style: chr15-89383388-C-G.
Other names: c.600C>G, p.Asp200Glu (NM_001135.4, NM_013227.4); short protein forms D200E.
Identifiers: ClinVar variation 1172551 (VCV001172551.1), dbSNP rs550550807, ClinGen allele CA393717257.
Genomic context (GRCh38, chr15:88,840,157, plus strand): 5'-CATCATTGCCACGCCTGAGCAGCTGCAGGCCGCCTACGAAGACGGCTTCCACCAGTGTGA[C>G]GCCGGCTGGCTGGCTGACCAGACTGTCAGGTGAGCCCTAGCCCATCAGCTAGTGGGGGCC-3'
Protein context (NP_001356197.1, residues 190-210): AAYEDGFHQC[Asp200Glu]AGWLADQTVR

ClinVar aggregate classification (germline): Uncertain significance (1 of 4 stars; one submission).

Conditions:
Osteochondritis dissecans. Identifiers: Orphanet 251262, Orphanet 2764, MedGen C0029421, MONDO:0017178, HP:0010886.

Submission:

HudsonAlpha Institute for Biotechnology
Classification: Uncertain significance for Short stature and advanced bone age, with or without early-onset osteoarthritis and/or osteochondritis dissecans. Last evaluated: 2021-06-07. Review status: criteria provided, single submitter. Criteria: ACMG Guidelines, 2015. Collection method: research. Allele origin: inherited. Observed: 1 variant allele. Study: CSER-SouthSeq.
Comment: ACMG codes:PM2